The following is an entry in ClinVar:

ClinVar aggregate classification (germline): Uncertain significance (1 of 4 stars; one submission).

Conditions:
Generalized epilepsy with febrile seizures plus, type 7 (GEFSP7). Also called: GEFS+, TYPE 7. Identifiers: Orphanet 36387, MedGen C2751778, MONDO:0013470, OMIM 613863.
Neuropathy, hereditary sensory and autonomic, type 2A (HSAN2A). Also called: NEUROPATHY, CONGENITAL SENSORY; NEUROPATHY, HEREDITARY SENSORY RADICULAR, AUTOSOMAL RECESSIVE; NEUROPATHY, HEREDITARY SENSORY, TYPE IIA; NEUROPATHY, PROGRESSIVE SENSORY, OF CHILDREN; HSAN IIA; MORVAN DISEASE. Identifiers: Orphanet 970, MedGen C2752089, MONDO:0024309, OMIM 201300.

Submission:

Labcorp Genetics (formerly Invitae), Labcorp
Classification: Uncertain significance for Neuropathy, hereditary sensory and autonomic, type 2A; Generalized epilepsy with febrile seizures plus, type 7. Last evaluated: 2021-08-28. Review status: criteria provided, single submitter. Criteria: Invitae Variant Classification Sherloc (09022015). Collection method: clinical testing. Allele origin: germline.
Comment: This sequence change falls in intron 4 of the SCN9A gene. It does not directly change the encoded amino acid sequence of the SCN9A protein. This variant is not present in population databases (ExAC no frequency). This variant has not been reported in the literature in individuals affected with SCN9A-related conditions. Algorithms developed to predict the effect of sequence changes on RNA splicing suggest that this variant may create or strengthen a splice site. In summary, the available evidence is currently insufficient to determine the role of this variant in disease. Therefore, it has been classified as a Variant of Uncertain Significance.

NM_001365536.1(SCN9A):c.467+13A>G

Gene: SCN9A (sodium voltage-gated channel alpha subunit 9; minus strand). Cytogenetic location: 2q24.3.
Variant type: single nucleotide variant.
Coding change: c.467+13A>G on transcript NM_001365536.1 (MANE Select); 13 bases into the intron after coding-DNA position 467, A replaced by G.
Molecular consequence: intron variant.
Genome position (GRCh38, 1-based): chr2:166,306,497, T>C on the plus strand (A>G on the coding strand, the complement: SCN9A is on the minus strand). VCF-style: chr2-166306497-T-C. GRCh37 (hg19) VCF-style: chr2-167163007-T-C.
Other names: c.467+13A>G (NM_002977.4).
Identifiers: ClinVar variation 1378376 (VCV001378376.6), dbSNP rs2106527148, ClinGen allele CA2573133557.